The following is an entry in ClinVar:

ClinVar aggregate classification (germline): Uncertain significance (1 of 4 stars; one submission).

Conditions:
Hereditary spastic paraplegia 28. Also called: Spastic paraplegia 28, autosomal recessive. Identifiers: Orphanet 101008, MedGen C1836295, MONDO:0012256, OMIM 609340.

Allele frequency attached by ClinVar (database versions not stated): TOPMed 0.00005; gnomAD exomes 0.00006 and 0.00010; ExAC 0.00007; gnomAD 0.00009.
gnomAD v4.1: 99 of 1,607,510 alleles (0.0062%); highest among the groups gnomAD compares: Admixed American, 0.005%; no homozygotes.

Submission:

Labcorp Genetics (formerly Invitae), Labcorp
Classification: Uncertain significance for Hereditary spastic paraplegia 28. Last evaluated: 2024-11-04. Review status: criteria provided, single submitter. Criteria: Invitae Variant Classification Sherloc (09022015). Collection method: clinical testing. Allele origin: germline.
Comment: This sequence change replaces glutamine, which is neutral and polar, with arginine, which is basic and polar, at codon 565 of the DDHD1 protein (p.Gln565Arg). This variant is present in population databases (rs199607183, gnomAD 0.05%). This variant has not been reported in the literature in individuals affected with DDHD1-related conditions. ClinVar contains an entry for this variant (Variation ID: 945344). Invitae Evidence Modeling of protein sequence and biophysical properties (such as structural, functional, and spatial information, amino acid conservation, physicochemical variation, residue mobility, and thermodynamic stability) indicates that this missense variant is not expected to disrupt DDHD1 protein function with a negative predictive value of 80%. In summary, the available evidence is currently insufficient to determine the role of this variant in disease. Therefore, it has been classified as a Variant of Uncertain Significance.

NM_001160148.2(DDHD1):c.1673A>G (p.Gln558Arg)

Gene: DDHD1 (DDHD domain containing 1; minus strand). Cytogenetic location: 14q22.1.
Variant type: single nucleotide variant.
Coding change: c.1673A>G on transcript NM_001160148.2 (MANE Select); coding-DNA position 1673, A replaced by G.
Protein change: p.Gln558Arg; replaces glutamine 558 with arginine.
Molecular consequence: missense variant.
Genome position (GRCh38, 1-based): chr14:53,063,036, T>C on the plus strand (A>G on the coding strand, the complement: DDHD1 is on the minus strand). VCF-style: chr14-53063036-T-C. GRCh37 (hg19) VCF-style: chr14-53529754-T-C.
Other names: c.1694A>G, p.Gln565Arg (NM_001160147.2); c.1673A>G, p.Gln558Arg (NM_030637.3); short protein forms Q565R, Q558R.
Identifiers: ClinVar variation 945344 (VCV000945344.8), dbSNP rs199607183, ClinGen allele CA7191183.
Genomic context (GRCh38, chr14:53,063,036, plus strand): 5'-TGTCGTTCTTCATAGCTCATCCATCGTTCATCAGGCAACTCTTCTTCCTTTTGCAGCAAC[T>C]GTTCATACAGCCGAACTGGATTCCAGCCAGTCATTATGTCATAAGTAATTACACATCCCA-3'
Protein context (NP_001153620.1, residues 548-568): TGWNPVRLYE[Gln558Arg]LLQKEEELPD